The following is an entry in ClinVar:

NM_023110.3(FGFR1):c.1231C>A (p.Gln411Lys)

Gene: FGFR1 (fibroblast growth factor receptor 1; minus strand). Cytogenetic location: 8p11.23.
Variant type: single nucleotide variant.
Coding change: c.1231C>A on transcript NM_023110.3 (MANE Select); coding-DNA position 1231, C replaced by A.
Protein change: p.Gln411Lys; replaces glutamine 411 with lysine.
Molecular consequence: missense variant.
Genome position (GRCh38, 1-based): chr8:38,419,586, G>T on the plus strand (C>A on the coding strand, the complement: FGFR1 is on the minus strand). VCF-style: chr8-38419586-G-T. GRCh37 (hg19) VCF-style: chr8-38277104-G-T.
Other names: c.1231C>A, p.Gln411Lys (NM_001174063.2); c.1207C>A, p.Gln403Lys (NM_001174064.2); c.1225C>A, p.Gln409Lys (NM_001174065.2, NM_001354367.2, NM_001354369.2 and 1 more transcripts); c.964C>A, p.Gln322Lys (NM_001174066.2, NM_023105.3); c.1324C>A, p.Gln442Lys (NM_001174067.2); c.958C>A, p.Gln320Lys (NM_001354368.2, NM_001354370.2, NM_023106.3); short protein forms Q320K, Q322K, Q403K, Q409K, Q411K, Q442K.
Identifiers: ClinVar variation 1021728 (VCV001021728.6), dbSNP rs1817962450, ClinGen allele CA370733713.

ClinVar aggregate classification (germline): Uncertain significance. Review status: criteria provided, multiple submitters, no conflicts (2 of 4 stars). 2 submissions from 2 submitters: Uncertain significance (2). Last evaluated 2025-03-04.

Conditions:
Hypogonadotropic hypogonadism 2 with or without anosmia (HH2). Also called: HYPOGONADOTROPIC HYPOGONADISM 2 WITHOUT ANOSMIA; FGFR1-Related GnRH Deficiency (Kallmann Syndrome 2); HYPOGONADOTROPIC HYPOGONADISM 2 WITH OR WITHOUT ANOSMIA, SUSCEPTIBILITY TO; HYPOGONADOTROPIC HYPOGONADISM 2 WITHOUT ANOSMIA, SUSCEPTIBILITY TO. Identifiers: Orphanet 478, MedGen C1563720, MONDO:0007844, OMIM 147950. Disease mechanism: loss of function.
Pfeiffer syndrome (ACS5). Also called: ACS V. Identifiers: Orphanet 710, MedGen C0220658, MONDO:0007043, OMIM 101600.

Allele frequency attached by ClinVar (database versions not stated): TOPMed below 0.00001.

Submissions (2):

Center for Genomic Medicine, Rigshospitalet, Copenhagen University Hospital
Classification: Uncertain significance. Last evaluated: 2025-03-04. Review status: criteria provided, single submitter. Criteria: ACMG Guidelines, 2015. Collection method: clinical testing. Allele origin: germline.

Labcorp Genetics (formerly Invitae), Labcorp
Classification: Uncertain significance for Pfeiffer syndrome; Hypogonadotropic hypogonadism 2 with or without anosmia. Last evaluated: 2024-06-28. Review status: criteria provided, single submitter. Criteria: Invitae Variant Classification Sherloc (09022015). Collection method: clinical testing. Allele origin: germline.
Comment: This sequence change replaces glutamine, which is neutral and polar, with lysine, which is basic and polar, at codon 411 of the FGFR1 protein (p.Gln411Lys). This variant is not present in population databases (gnomAD no frequency). This variant has not been reported in the literature in individuals affected with FGFR1-related conditions. ClinVar contains an entry for this variant (Variation ID: 1021728). Advanced modeling of protein sequence and biophysical properties (such as structural, functional, and spatial information, amino acid conservation, physicochemical variation, residue mobility, and thermodynamic stability) performed at Invitae indicates that this missense variant is not expected to disrupt FGFR1 protein function with a negative predictive value of 80%. In summary, the available evidence is currently insufficient to determine the role of this variant in disease. Therefore, it has been classified as a Variant of Uncertain Significance.

Literature cited by the submitters: PubMed 20301509 (cited by Center for Genomic Medicine, Rigshospitalet, Copenhagen University Hospital); PubMed 23533228 (cited by Center for Genomic Medicine, Rigshospitalet, Copenhagen University Hospital).